The following is an entry in ClinVar:

NM_001942.4(DSG1):c.3050G>T (p.Ser1017Ile)

Genes: DSG1 (desmoglein 1; plus strand), DSG1-AS1 (DSG1 antisense RNA 1; minus strand). Cytogenetic location: 18q12.1.
Variant type: single nucleotide variant.
Coding change: c.3050G>T on transcript NM_001942.4 (MANE Select); coding-DNA position 3050, G replaced by T.
Protein change: p.Ser1017Ile; replaces serine 1017 with isoleucine.
Molecular consequence: missense variant.
Genome position (GRCh38, 1-based): chr18:31,355,246, G>T. VCF-style: chr18-31355246-G-T. GRCh37 (hg19) VCF-style: chr18-28935209-G-T.
Other names: short protein forms S1017I.
Identifiers: ClinVar variation 1467881 (VCV001467881.6), dbSNP rs761429902, ClinGen allele CA8926511.
Genomic context (GRCh38, chr18:31,355,246, plus strand): 5'-GTGGTGGTGGCATTGGCCTGAGCAGCTTGGGAGGGACAGCCAGCATTGGCCACATGAGGA[G>T]TTCCTCTGACCATCACTTTAACCAAACCATTGGGTCCGCCTCCCCTAGCACAGCTCGAAG-3'
Protein context (NP_001933.2, residues 1007-1027): GGTASIGHMR[Ser1017Ile]SSDHHFNQTI

ClinVar aggregate classification (germline): Uncertain significance (1 of 4 stars; one submission).

Allele frequency attached by ClinVar (database versions not stated): ExAC 0.00001; gnomAD 0.00001; gnomAD exomes 0.00001; TOPMed 0.00002.
gnomAD v4.1: 11 of 1,610,776 alleles (0.00068%); highest among the groups gnomAD compares: Non-Finnish European, 0.00085%; no homozygotes.

Submission:

Labcorp Genetics (formerly Invitae), Labcorp
Classification: Uncertain significance. Last evaluated: 2021-11-01. Review status: criteria provided, single submitter. Criteria: Invitae Variant Classification Sherloc (09022015). Collection method: clinical testing. Allele origin: germline.
Comment: This variant is present in population databases (rs761429902, gnomAD 0.003%). This variant has not been reported in the literature in individuals affected with DSG1-related conditions. Algorithms developed to predict the effect of missense changes on protein structure and function are either unavailable or do not agree on the potential impact of this missense change (SIFT: "Deleterious"; PolyPhen-2: "Benign"; Align-GVGD: "Class C15"). In summary, the available evidence is currently insufficient to determine the role of this variant in disease. Therefore, it has been classified as a Variant of Uncertain Significance. This sequence change replaces serine, which is neutral and polar, with isoleucine, which is neutral and non-polar, at codon 1017 of the DSG1 protein (p.Ser1017Ile).